The following is an entry in ClinVar:

NM_000264.5(PTCH1):c.2867T>C (p.Met956Thr)

Gene: PTCH1 (patched 1; minus strand). Cytogenetic location: 9q22.32.
Variant type: single nucleotide variant.
Coding change: c.2867T>C on transcript NM_000264.5 (MANE Select); coding-DNA position 2867, T replaced by C.
Protein change: p.Met956Thr; replaces methionine 956 with threonine.
Molecular consequence: missense variant. On other transcripts: non-coding transcript variant (1).
Genome position (GRCh38, 1-based): chr9:95,459,620, A>G on the plus strand (T>C on the coding strand, the complement: PTCH1 is on the minus strand). VCF-style: chr9-95459620-A-G. GRCh37 (hg19) VCF-style: chr9-98221902-A-G.
Other names: c.2669T>C, p.Met890Thr (NM_001083602.3); c.2864T>C, p.Met955Thr (NM_001083603.3); c.2414T>C, p.Met805Thr (NM_001083604.3, NM_001083605.3, NM_001083606.3 and 1 more transcripts); c.2711T>C, p.Met904Thr (NM_001354918.2); short protein forms M805T, M955T, M904T, M956T, M890T.
Identifiers: ClinVar variation 1797007 (VCV001797007.2), dbSNP rs2136670153, ClinGen allele CA374112908.

ClinVar aggregate classification (germline): Uncertain significance (1 of 4 stars; one submission).

Conditions:
Hereditary cancer-predisposing syndrome. Also called: Tumor predisposition; Hereditary Cancer Syndrome; Neoplastic Syndromes, Hereditary; Hereditary neoplastic syndrome. Identifiers: Orphanet 140162, MedGen C0027672, MeSH D009386, MONDO:0015356.

gnomAD v4.1: 1 of 1,613,994 alleles (0.000062%); highest among the groups gnomAD compares: South Asian, 0.0011%; no homozygotes.

Submission:

Ambry Genetics
Classification: Uncertain significance for Hereditary cancer-predisposing syndrome. Last evaluated: 2020-09-08. Review status: criteria provided, single submitter. Criteria: Ambry Variant Classification Scheme 2023. Collection method: clinical testing. Allele origin: germline.
Comment: The p.M956T variant (also known as c.2867T>C), located in coding exon 17 of the PTCH1 gene, results from a T to C substitution at nucleotide position 2867. The methionine at codon 956 is replaced by threonine, an amino acid with similar properties. This amino acid position is well conserved in available vertebrate species. In addition, the in silico prediction for this alteration is inconclusive. Since supporting evidence is limited at this time, the clinical significance of this alteration remains unclear.